The following is an entry in ClinVar:

NM_014003.4(DHX38):c.3599+6C>T

Gene: DHX38 (DEAH-box helicase 38; plus strand). Cytogenetic location: 16q22.2.
Variant type: single nucleotide variant.
Coding change: c.3599+6C>T on transcript NM_014003.4 (MANE Select); 6 bases into the intron after coding-DNA position 3599, C replaced by T.
Molecular consequence: intron variant.
Genome position (GRCh38, 1-based): chr16:72,111,083, C>T. VCF-style: chr16-72111083-C-T. GRCh37 (hg19) VCF-style: chr16-72144982-C-T.
Identifiers: ClinVar variation 1421504 (VCV001421504.6), dbSNP rs375423003, ClinGen allele CA283694012.

ClinVar aggregate classification (germline): Uncertain significance (1 of 4 stars; one submission).

Allele frequency attached by ClinVar (database versions not stated): gnomAD 0.00001; gnomAD exomes 0.00001; TOPMed 0.00001; ESP Exome Variant Server 0.00008.
gnomAD v4.1: 12 of 1,553,032 alleles (0.00077%); highest among the groups gnomAD compares: African/African-American, 0.0027%; no homozygotes.

Submission:

Labcorp Genetics (formerly Invitae), Labcorp
Classification: Uncertain significance. Last evaluated: 2023-10-02. Review status: criteria provided, single submitter. Criteria: Invitae Variant Classification Sherloc (09022015). Collection method: clinical testing. Allele origin: germline.
Comment: This sequence change falls in intron 26 of the DHX38 gene. It does not directly change the encoded amino acid sequence of the DHX38 protein. It affects a nucleotide within the consensus splice site. This variant is not present in population databases (gnomAD no frequency). This variant has not been reported in the literature in individuals affected with DHX38-related conditions. ClinVar contains an entry for this variant (Variation ID: 1421504). Variants that disrupt the consensus splice site are a relatively common cause of aberrant splicing (PMID: 17576681, 9536098). Algorithms developed to predict the effect of sequence changes on RNA splicing suggest that this variant is not likely to affect RNA splicing. In summary, the available evidence is currently insufficient to determine the role of this variant in disease. Therefore, it has been classified as a Variant of Uncertain Significance.

Literature cited by the submitters: PubMed 17576681; PubMed 9536098.